The following is an entry in ClinVar:

ClinVar aggregate classification (germline): Uncertain significance (1 of 4 stars; one submission).

Allele frequency attached by ClinVar (database versions not stated): TOPMed below 0.00001.
gnomAD v4.1: 3 of 1,613,710 alleles (0.00019%); highest among the groups gnomAD compares: Admixed American, 0.0017%; no homozygotes.

Submission:

Labcorp Genetics (formerly Invitae), Labcorp
Classification: Uncertain significance. Last evaluated: 2022-07-23. Review status: criteria provided, single submitter. Criteria: Invitae Variant Classification Sherloc (09022015). Collection method: clinical testing. Allele origin: germline.
Comment: In summary, the available evidence is currently insufficient to determine the role of this variant in disease. Therefore, it has been classified as a Variant of Uncertain Significance. Algorithms developed to predict the effect of missense changes on protein structure and function are either unavailable or do not agree on the potential impact of this missense change (SIFT: "Deleterious"; PolyPhen-2: "Benign"; Align-GVGD: "Class C65"). This variant has not been reported in the literature in individuals affected with MAPKAPK3-related conditions. This variant is present in population databases (no rsID available, gnomAD 0.003%). This sequence change replaces tyrosine, which is neutral and polar, with cysteine, which is neutral and slightly polar, at codon 76 of the MAPKAPK3 protein (p.Tyr76Cys).

NM_001243925.2(MAPKAPK3):c.227A>G (p.Tyr76Cys)

Gene: MAPKAPK3 (MAPK activated protein kinase 3; plus strand). Cytogenetic location: 3p21.2.
Variant type: single nucleotide variant.
Coding change: c.227A>G on transcript NM_001243925.2 (MANE Select); coding-DNA position 227, A replaced by G.
Protein change: p.Tyr76Cys; replaces tyrosine 76 with cysteine.
Molecular consequence: missense variant.
Genome position (GRCh38, 1-based): chr3:50,640,373, A>G. VCF-style: chr3-50640373-A-G. GRCh37 (hg19) VCF-style: chr3-50677804-A-G.
Other names: c.227A>G, p.Tyr76Cys (NM_001243926.2, NM_004635.5); short protein forms Y76C.
Identifiers: ClinVar variation 2166442 (VCV002166442.4), dbSNP rs141282634, ClinGen allele CA352925716.